The following is an entry in ClinVar:

NM_000829.4(GRIA4):c.1054-2A>C

Gene: GRIA4 (glutamate ionotropic receptor AMPA type subunit 4; plus strand). Cytogenetic location: 11q22.3.
Variant type: single nucleotide variant.
Coding change: c.1054-2A>C on transcript NM_000829.4 (MANE Select); the canonical splice acceptor site of the intron before coding-DNA position 1054, A replaced by C.
Molecular consequence: splice acceptor variant.
Genome position (GRCh38, 1-based): chr11:105,905,195, A>C. VCF-style: chr11-105905195-A-C. GRCh37 (hg19) VCF-style: chr11-105775921-A-C.
Other names: c.1054-2A>C (NM_001077243.3, NM_001077244.2, NM_001112812.2).
Identifiers: ClinVar variation 3360045 (VCV003360045.1).

ClinVar aggregate classification (germline): Uncertain significance (1 of 4 stars; one submission).

Submission:

GeneDx
Classification: Uncertain significance. Last evaluated: 2023-06-16. Review status: criteria provided, single submitter. Criteria: GeneDx Variant Classification Process June 2021. Collection method: clinical testing. Allele origin: germline. Affected: yes.
Comment: Not observed at significant frequency in large population cohorts (gnomAD); Has not been previously published as pathogenic or benign to our knowledge; Canonical splice site variant in a gene for which loss of function is not a known mechanism of disease.